The following is an entry in ClinVar:

NM_030667.3(PTPRO):c.682A>G (p.Ile228Val)

Gene: PTPRO (protein tyrosine phosphatase receptor type O; plus strand). Cytogenetic location: 12p12.3.
Variant type: single nucleotide variant.
Coding change: c.682A>G on transcript NM_030667.3 (MANE Select); coding-DNA position 682, A replaced by G.
Protein change: p.Ile228Val; replaces isoleucine 228 with valine.
Molecular consequence: missense variant.
Genome position (GRCh38, 1-based): chr12:15,501,640, A>G. VCF-style: chr12-15501640-A-G. GRCh37 (hg19) VCF-style: chr12-15654574-A-G.
Other names: c.682A>G, p.Ile228Val (NM_002848.4); short protein forms I228V.
Identifiers: ClinVar variation 708124 (VCV000708124.11), dbSNP rs117540301, ClinGen allele CA6466350.
Genomic context (GRCh38, chr12:15,501,640, plus strand): 5'-ATTAAAAAATACTTGAAAATGAAAATTCTCTCTCTTACAGCCCCTTATCCACCTCAAAAT[A>G]TTTCCGTTCGTATCGTAAACTTGAACAAAAACAACTGGGAAGAACAGAGTGGCAATTTCC-3'
Protein context (NP_109592.1, residues 218-238): HRTAPYPPQN[Ile228Val]SVRIVNLNKN

ClinVar aggregate classification (germline): Benign/Likely benign. Review status: criteria provided, multiple submitters, no conflicts (2 of 4 stars). 3 submissions from 3 submitters: Benign (1); Likely benign (1). 1 of the submissions does not count toward it. Last evaluated 2025-12-24.

Conditions:
PTPRO-related disorder. Also called: PTPRO-related condition.

Allele frequency attached by ClinVar (database versions not stated): 1000 Genomes Project 0.00160; 1000 Genomes Project 30x 0.00187; TOPMed 0.00226; ESP Exome Variant Server 0.00269; gnomAD 0.00278 and 0.00291; ExAC 0.00282; gnomAD exomes 0.00305 and 0.00327.
gnomAD v4.1: 5,146 of 1,613,752 alleles (0.32%); highest among the groups gnomAD compares: Non-Finnish European, 0.34%; 11 homozygotes.

Submissions (3):

Labcorp Genetics (formerly Invitae), Labcorp
Classification: Benign. Last evaluated: 2025-12-24. Review status: criteria provided, single submitter. Criteria: Invitae Variant Classification Sherloc (09022015). Collection method: clinical testing. Allele origin: germline.

GeneDx
Classification: Likely benign. Last evaluated: 2022-02-15. Review status: criteria provided, single submitter. Criteria: GeneDx Variant Classification Process June 2021. Collection method: clinical testing. Allele origin: germline. Affected: yes.
Comment: See Variant Classification Assertion Criteria.

PreventionGenetics, part of Exact Sciences
Classification: Benign for PTPRO-related condition. Last evaluated: 2019-06-06. Review status: no assertion criteria provided. Collection method: clinical testing. Allele origin: germline. Not counted in ClinVar's aggregate classification.
Comment: This variant is classified as benign based on ACMG/AMP sequence variant interpretation guidelines (Richards et al. 2015 PMID: 25741868, with internal and published modifications).